The following is an entry in ClinVar:

ClinVar aggregate classification (germline): Pathogenic. Review status: reviewed by expert panel (3 of 4 stars). 4 submissions from 4 submitters: Pathogenic (1). 3 of the submissions do not count toward it. Last evaluated 2016-10-18.

Conditions:
Breast-ovarian cancer, familial, susceptibility to, 2 (BROVCA2). Also called: BRCA2 Hereditary Breast and Ovarian Cancer. Identifiers: Orphanet 145, MedGen C2675520, MONDO:0012933, OMIM 612555. Disease mechanism: loss of function.
Hereditary cancer-predisposing syndrome. Also called: Hereditary neoplastic syndrome; Neoplastic Syndromes, Hereditary; Tumor predisposition; Hereditary Cancer Syndrome. Identifiers: Orphanet 140162, MedGen C0027672, MeSH D009386, MONDO:0015356.

Submissions (4):

Evidence-based Network for the Interpretation of Germline Mutant Alleles (ENIGMA)
Classification: Pathogenic for Breast-ovarian cancer, familial, susceptibility to, 2. Last evaluated: 2016-10-18. Review status: reviewed by expert panel. Criteria: ENIGMA BRCA1/2 Classification Criteria (2015). Collection method: curation. Allele origin: germline.
Comment: Variant allele predicted to encode a truncated non-functional protein.

Ambry Genetics
Classification: Pathogenic for Hereditary cancer-predisposing syndrome. Last evaluated: 2022-09-06. Review status: criteria provided, single submitter. Criteria: Ambry Variant Classification Scheme 2023. Collection method: clinical testing. Allele origin: germline. Not counted in ClinVar's aggregate classification.
Comment: The c.568_575delCCTGATAT pathogenic mutation, located in coding exon 6 of the BRCA2 gene, results from a deletion of 8 nucleotides at nucleotide positions 568 to 575, causing a translational frameshift with a predicted alternate stop codon (p.P190Vfs*13). This alteration was identified in a large, worldwide study of BRCA1/2 mutation positive families (Rebbeck TR et al. Hum Mutat, 2018 05;39:593-620). This variant is considered to be rare based on population cohorts in the Genome Aggregation Database (gnomAD). In addition to the clinical data presented in the literature, this alteration is expected to result in loss of function by premature protein truncation or nonsense-mediated mRNA decay. As such, this alteration is interpreted as a disease-causing mutation.

Quest Diagnostics Nichols Institute San Juan Capistrano
Classification: Likely pathogenic. Last evaluated: 2021-06-02. Review status: criteria provided, single submitter. Criteria: Quest Diagnostics criteria. Collection method: clinical testing. Allele origin: unknown. Not counted in ClinVar's aggregate classification.
Comment: This frameshift variant is predicted to cause the premature termination of BRCA2 protein synthesis. In addition, it has been reported in an Italian family in the published literature (PMID: 29446198 (2018)). Based on the available information, this variant is classified as likely pathogenic.

Consortium of Investigators of Modifiers of BRCA1/2 (CIMBA), c/o University of Cambridge
Classification: Pathogenic for Breast-ovarian cancer, familial, susceptibility to, 2. Last evaluated: 2015-10-02. Review status: criteria provided, single submitter. Criteria: CIMBA Mutation Classification guidelines May 2016. Collection method: clinical testing. Allele origin: germline. Not counted in ClinVar's aggregate classification.

Literature cited by the submitters: PubMed 29446198 (cited by Ambry Genetics and Quest Diagnostics Nichols Institute San Juan Capistrano).

NM_000059.4(BRCA2):c.568_575del (p.Pro190fs)

Gene: BRCA2 (BRCA2 DNA repair associated; plus strand). Cytogenetic location: 13q13.1.
Variant type: Deletion.
Coding change: c.568_575del on transcript NM_000059.4 (MANE Select); coding-DNA positions 568 to 575, 8 bases deleted (CCTGATAT; older notation c.568_575delCCTGATAT).
Protein change: p.Pro190fs; shifts the reading frame from proline 190.
Molecular consequence: frameshift variant.
Genome position (GRCh38, 1-based): chr13:32,326,550-32,326,557, CCTGATAT deleted; deleting any 8 consecutive bases within chr13:32,326,548-32,326,557 gives the same sequence; the c. name uses the placement nearest the transcript's 3' end. VCF-style (leftmost placement, unchanged base first): chr13-32326547-GATCCTGAT-G. GRCh37 (hg19) VCF-style: chr13-32900684-GATCCTGAT-G.
Other names: 796del8-ter202; c.568_575delCCTGATAT (NM_000059.3); short protein forms P190fs.
Identifiers: ClinVar variation 266890 (VCV000266890.9), dbSNP rs886040605, ClinGen allele CA10589033.